The following is an entry in ClinVar:

ClinVar aggregate classification (germline): Uncertain significance (1 of 4 stars; one submission).

Conditions:
Autosomal dominant nocturnal frontal lobe epilepsy 5. Also called: Epilepsy, nocturnal frontal lobe, 5; KCNT1-Related Epilepsy; CILIARY DYSKINESIA, PRIMARY, 28, WITHOUT SITUS INVERSUS; CILIARY DYSKINESIA, PRIMARY, 28, WITH SITUS INVERSUS. Identifiers: Orphanet 98784, MedGen C3554306, MONDO:0014002, OMIM 615005.
Developmental and epileptic encephalopathy, 14 (DEE14). Also called: Early infantile epileptic encephalopathy 14. Identifiers: Orphanet 293181, MedGen C3554195, MONDO:0013989, OMIM 614959.

Submission:

Labcorp Genetics (formerly Invitae), Labcorp
Classification: Uncertain significance for Autosomal dominant nocturnal frontal lobe epilepsy 5; Developmental and epileptic encephalopathy, 14. Last evaluated: 2019-01-31. Review status: criteria provided, single submitter. Criteria: Invitae Variant Classification Sherloc (09022015). Collection method: clinical testing. Allele origin: germline.
Comment: In summary, the available evidence is currently insufficient to determine the role of this variant in disease. Therefore, it has been classified as a Variant of Uncertain Significance. Algorithms developed to predict the effect of missense changes on protein structure and function are either unavailable or do not agree on the potential impact of this missense change (SIFT: "Deleterious"; PolyPhen-2: "Benign"; Align-GVGD: "Class C0"). This variant has not been reported in the literature in individuals with KCNT1-related conditions. This variant is not present in population databases (ExAC no frequency). This sequence change replaces isoleucine with threonine at codon 1062 of the KCNT1 protein (p.Ile1062Thr). The isoleucine residue is moderately conserved and there is a moderate physicochemical difference between isoleucine and threonine.

NM_020822.3(KCNT1):c.3185T>C (p.Ile1062Thr)

Gene: KCNT1 (potassium sodium-activated channel subfamily T member 1; plus strand). Cytogenetic location: 9q34.3.
Variant type: single nucleotide variant.
Coding change: c.3185T>C on transcript NM_020822.3 (MANE Select); coding-DNA position 3185, T replaced by C.
Protein change: p.Ile1062Thr; replaces isoleucine 1062 with threonine.
Molecular consequence: missense variant.
Genome position (GRCh38, 1-based): chr9:135,786,204, T>C. VCF-style: chr9-135786204-T-C. GRCh37 (hg19) VCF-style: chr9-138678050-T-C.
Other names: c.3050T>C, p.Ile1017Thr (NM_001272003.2); short protein forms I1062T, I1017T.
Identifiers: ClinVar variation 655279 (VCV000655279.11), dbSNP rs1588407407, ClinGen allele CA375491447.